The following is an entry in ClinVar:

NM_001384732.1(CPLANE1):c.5377C>G (p.Gln1793Glu)

Gene: CPLANE1 (ciliogenesis and planar polarity effector complex subunit 1; minus strand). Cytogenetic location: 5p13.2.
Variant type: single nucleotide variant.
Coding change: c.5377C>G on transcript NM_001384732.1 (MANE Select); coding-DNA position 5377, C replaced by G.
Protein change: p.Gln1793Glu; replaces glutamine 1793 with glutamic acid.
Molecular consequence: missense variant.
Genome position (GRCh38, 1-based): chr5:37,182,804, G>C on the plus strand (C>G on the coding strand, the complement: CPLANE1 is on the minus strand). VCF-style: chr5-37182804-G-C. GRCh37 (hg19) VCF-style: chr5-37182906-G-C.
Other names: c.5377C>G, p.Gln1793Glu (NM_023073.4); short protein forms Q1793E.
Identifiers: ClinVar variation 2057665 (VCV002057665.3), dbSNP rs1234365745, ClinGen allele CA359491574.
Genomic context (GRCh38, chr5:37,182,804, plus strand): 5'-CAATTGATATGCTTACCTTAATAATGGCATTTTTTGCCTTATATGTAGCAAAATAGGGTT[G>C]TTCCAAAAGCCATAATGATGTAAGAATGGCAGCTGTAGAGGTCTTTACACGAATTACTGG-3'
Protein context (NP_001371661.1, residues 1783-1803): AILTSLWLLE[Gln1793Glu]PYFATYKAKN

ClinVar aggregate classification (germline): Uncertain significance (1 of 4 stars; one submission).

Allele frequency attached by ClinVar (database versions not stated): gnomAD exomes 0.00001.
gnomAD v4.1: 3 of 1,613,502 alleles (0.00019%); highest among the groups gnomAD compares: Non-Finnish European, 0.00025%; no homozygotes.

Submission:

Labcorp Genetics (formerly Invitae), Labcorp
Classification: Uncertain significance. Last evaluated: 2022-03-14. Review status: criteria provided, single submitter. Criteria: Invitae Variant Classification Sherloc (09022015). Collection method: clinical testing. Allele origin: germline.
Comment: This variant is present in population databases (no rsID available, gnomAD 0.002%). This variant has not been reported in the literature in individuals affected with CPLANE1-related conditions. Advanced modeling of protein sequence and biophysical properties (such as structural, functional, and spatial information, amino acid conservation, physicochemical variation, residue mobility, and thermodynamic stability) performed at Invitae indicates that this missense variant is not expected to disrupt CPLANE1 protein function. In summary, the available evidence is currently insufficient to determine the role of this variant in disease. Therefore, it has been classified as a Variant of Uncertain Significance. This sequence change replaces glutamine, which is neutral and polar, with glutamic acid, which is acidic and polar, at codon 1793 of the CPLANE1 protein (p.Gln1793Glu).